The following is an entry in ClinVar:

ClinVar aggregate classification (germline): Benign/Likely benign. Review status: criteria provided, multiple submitters, no conflicts (2 of 4 stars). 9 submissions from 9 submitters: Benign (6); Likely benign (3). Last evaluated 2026-02-03.

Conditions:
Inborn genetic diseases. Identifiers: MedGen C0950123, MeSH D030342.
Christianson syndrome (MRXSCH). Also called: INTELLECTUAL DEVELOPMENTAL DISORDER, X-LINKED, SYNDROMIC, CHRISTIANSON TYPE; X-linked mental retardation, syndromic, Christianson type; SLC9A6-Related Syndromic Mental Retardation. Identifiers: Orphanet 85278, MedGen C2678194, MONDO:0010278, OMIM 300243.

Allele frequency attached by ClinVar (database versions not stated): gnomAD exomes 0.05510; ExAC 0.06135; ESP Exome Variant Server 0.07886; TOPMed 0.07899; 1000 Genomes Project 30x 0.10031; 1000 Genomes Project 0.10437.
gnomAD v4.1: 57,452 of 1,106,638 alleles (5.2%); highest among the groups gnomAD compares: African/African-American, 16%; 1,438 homozygotes.

Submissions (9):

Labcorp Genetics (formerly Invitae), Labcorp
Classification: Benign for Christianson syndrome. Last evaluated: 2026-02-03. Review status: criteria provided, single submitter. Criteria: Invitae Variant Classification Sherloc (09022015). Collection method: clinical testing. Allele origin: germline.

Blueprint Genetics
Classification: Likely benign. Last evaluated: 2024-11-28. Review status: criteria provided, single submitter. Criteria: ACMG Guidelines, 2015. Collection method: clinical testing. Allele origin: germline.

Mayo Clinic Laboratories, Mayo Clinic
Classification: Benign. Last evaluated: 2022-10-27. Review status: criteria provided, single submitter. Criteria: ACMG Guidelines, 2015. Collection method: clinical testing. Allele origin: germline. Observed: 129 variant alleles.

PreventionGenetics, part of Exact Sciences
Classification: Benign. Last evaluated: 2016-02-21. Review status: criteria provided, single submitter. Criteria: ACMG Guidelines, 2015. Collection method: clinical testing. Allele origin: germline.

Ambry Genetics
Classification: Benign for Inborn genetic diseases. Last evaluated: 2014-11-24. Review status: criteria provided, single submitter. Criteria: Ambry Variant Classification Scheme 2023. Collection method: clinical testing. Allele origin: germline.

Genetic Services Laboratory, University of Chicago
Classification: Likely benign. Last evaluated: 2013-05-06. Review status: criteria provided, single submitter. Criteria: ACMG Guidelines, 2007. Collection method: clinical testing. Allele origin: germline. Inheritance: X-linked inheritance.
Comment: Likely benign based on allele frequency in 1000 Genomes Project or ESP global frequency and its presence in a patient with a rare or unrelated disease phenotype. NOT Sanger confirmed

Eurofins Ntd Llc (ga)
Classification: Benign. Last evaluated: 2012-11-02. Review status: criteria provided, single submitter. Criteria: EGL Classification Definitions 2015. Collection method: clinical testing. Allele origin: germline. Observed: 3 variant alleles, 1 heterozygote, 2 hemizygotes.

GeneDx
Classification: Benign. Last evaluated: 2012-03-22. Review status: criteria provided, single submitter. Criteria: GeneDx Variant Classification (06012015). Collection method: clinical testing. Allele origin: germline. Affected: yes.
Comment: This variant is considered likely benign or benign based on one or more of the following criteria: it is a conservative change, it occurs at a poorly conserved position in the protein, it is predicted to be benign by multiple in silico algorithms, and/or has population frequency not consistent with disease.

Breakthrough Genomics
Classification: Likely benign. Review status: criteria provided, single submitter. Criteria: ACMG Guidelines, 2015. Collection method: not provided. Allele origin: germline. Inheritance: X-linked inheritance. Affected: yes.

NM_001379110.1(SLC9A6):c.1306+8G>A

Gene: SLC9A6 (solute carrier family 9 member A6; plus strand). Cytogenetic location: Xq26.3.
Variant type: single nucleotide variant.
Coding change: c.1306+8G>A on transcript NM_001379110.1 (MANE Select); 8 bases into the intron after coding-DNA position 1306, G replaced by A.
Molecular consequence: intron variant.
Genome position (GRCh38, 1-based): chrX:136,022,705, G>A. VCF-style: chrX-136022705-G-A. GRCh37 (hg19) VCF-style: chrX-135104864-G-A.
Other names: p.?; c.1462+8G>A (NM_001042537.2); c.1366+8G>A (NM_006359.3); c.1306+8G>A (NM_001177651.2); c.1210+8G>A (NM_001330652.2).
Identifiers: ClinVar variation 95375 (VCV000095375.24), dbSNP rs6654310, ClinGen allele CA285657.